The following is an entry in ClinVar:

ClinVar aggregate classification (germline): Benign. Review status: criteria provided, multiple submitters, no conflicts (2 of 4 stars). 3 submissions from 3 submitters: Benign (3). Last evaluated 2021-07-30.

Conditions:
Primary coenzyme Q10 deficiency 8. Identifiers: MedGen C4225226, MONDO:0014754, OMIM 616733.

Allele frequency attached by ClinVar (database versions not stated): gnomAD 0.91365 and 0.91633; ExAC 0.94751; ESP Exome Variant Server 0.90503; 1000 Genomes Project 30x 0.90522; TOPMed 0.90808; 1000 Genomes Project 0.90875.
gnomAD v4.1: 1,548,782 of 1,613,012 alleles (96%); highest among the groups gnomAD compares: Non-Finnish European, 97%; 745,233 homozygotes.

Submissions (3):

Genome-Nilou Lab
Classification: Benign for Primary coenzyme Q10 deficiency 8. Last evaluated: 2021-07-30. Review status: criteria provided, single submitter. Criteria: ACMG Guidelines, 2015. Collection method: clinical testing. Allele origin: germline. Affected: no.

GeneDx
Classification: Benign. Last evaluated: 2018-06-14. Review status: criteria provided, single submitter. Criteria: GeneDx Variant Classification (06012015). Collection method: clinical testing. Allele origin: germline. Affected: yes.
Comment: This variant is considered likely benign or benign based on one or more of the following criteria: it is a conservative change, it occurs at a poorly conserved position in the protein, it is predicted to be benign by multiple in silico algorithms, and/or has population frequency not consistent with disease.

Breakthrough Genomics
Classification: Benign. Review status: criteria provided, single submitter. Criteria: ACMG Guidelines, 2015. Collection method: not provided. Allele origin: germline. Inheritance: Autosomal recessive inheritance. Affected: yes.

NM_016138.5(COQ7):c.74-29A>G

Gene: COQ7 (coenzyme Q7, hydroxylase; plus strand). Cytogenetic location: 16p12.3.
Variant type: single nucleotide variant.
Coding change: c.74-29A>G on transcript NM_016138.5 (MANE Select); 29 bases into the intron before coding-DNA position 74, A replaced by G.
Molecular consequence: intron variant.
Genome position (GRCh38, 1-based): chr16:19,071,899, A>G. VCF-style: chr16-19071899-A-G. GRCh37 (hg19) VCF-style: chr16-19083221-A-G.
Other names: c.74-29A>G (NM_001370490.1); c.-41-29A>G (NM_001370494.1, NM_001190983.2, NM_001370495.1 and 2 more transcripts); c.32-29A>G (NM_001370489.1, NM_001370491.1).
Identifiers: ClinVar variation 683575 (VCV000683575.5), dbSNP rs4782202, ClinGen allele CA7932873.